The following is an entry in ClinVar:

ClinVar aggregate classification (germline): Uncertain significance. Review status: criteria provided, multiple submitters, no conflicts (2 of 4 stars). 4 submissions from 4 submitters: Uncertain significance (4). Last evaluated 2025-12-09.

Conditions:
Hereditary cancer-predisposing syndrome. Also called: Hereditary Cancer Syndrome; Hereditary neoplastic syndrome; Neoplastic Syndromes, Hereditary; Tumor predisposition. Identifiers: Orphanet 140162, MedGen C0027672, MeSH D009386, MONDO:0015356.

Allele frequency attached by ClinVar (database versions not stated): ExAC 0.00001; gnomAD 0.00001; gnomAD exomes 0.00001; TOPMed 0.00001.
gnomAD v4.1: 17 of 1,611,264 alleles (0.0011%); highest among the groups gnomAD compares: African/African-American, 0.004%; no homozygotes.

Submissions (4):

Labcorp Genetics (formerly Invitae), Labcorp
Classification: Uncertain significance. Last evaluated: 2025-12-09. Review status: criteria provided, single submitter. Criteria: Invitae Variant Classification Sherloc (09022015). Collection method: clinical testing. Allele origin: germline.
Comment: This sequence change replaces glutamic acid, which is acidic and polar, with lysine, which is basic and polar, at codon 1338 of the POLE protein (p.Glu1338Lys). This variant is present in population databases (rs751555395, gnomAD 0.007%). This variant has not been reported in the literature in individuals affected with POLE-related conditions. ClinVar contains an entry for this variant (Variation ID: 405810). Invitae Evidence Modeling of protein sequence and biophysical properties (such as structural, functional, and spatial information, amino acid conservation, physicochemical variation, residue mobility, and thermodynamic stability) indicates that this missense variant is not expected to disrupt POLE protein function with a negative predictive value of 80%. In summary, the available evidence is currently insufficient to determine the role of this variant in disease. Therefore, it has been classified as a Variant of Uncertain Significance.

Ambry Genetics
Classification: Uncertain significance for Hereditary cancer-predisposing syndrome. Last evaluated: 2025-10-26. Review status: criteria provided, single submitter. Criteria: Ambry Variant Classification Scheme 2023. Collection method: clinical testing. Allele origin: germline.
Comment: The p.E1338K variant (also known as c.4012G>A), located in coding exon 32 of the POLE gene, results from a G to A substitution at nucleotide position 4012. The glutamic acid at codon 1338 is replaced by lysine, an amino acid with similar properties. This amino acid position is conserved. In addition, this alteration is predicted to be tolerated by in silico analysis. Since supporting evidence is limited at this time, the clinical significance of this alteration remains unclear.

GeneDx
Classification: Uncertain significance. Last evaluated: 2023-02-21. Review status: criteria provided, single submitter. Criteria: GeneDx Variant Classification Process June 2021. Collection method: clinical testing. Allele origin: germline. Affected: yes.
Comment: In silico analysis, which includes protein predictors and evolutionary conservation, supports that this variant does not alter protein structure/function; Has not been previously published as pathogenic or benign to our knowledge

Laboratory for Molecular Medicine, Mass General Brigham Personalized Medicine
Classification: Uncertain significance. Last evaluated: 2017-02-06. Review status: criteria provided, single submitter. Criteria: LMM Criteria. Collection method: clinical testing. Allele origin: germline. Observed: 1 variant allele.
Comment: The p.Glu1338Lys variant in POLE has not been previously reported in individuals with colorectal cancer, but has been identified in 1/11246 of Latino chromosome s by the Exome Aggregation Consortium (ExAC; dbS NP rs751555395). Computational prediction tools and conservation analysis sugges t that the p.Glu1338Lys variant may not impact the protein, though this informat ion is not predictive enough to rule out pathogenicity. In summary, the clinical significance of the p.Glu1338Lys variant is uncertain.

NM_006231.4(POLE):c.4012G>A (p.Glu1338Lys)

Gene: POLE (DNA polymerase epsilon, catalytic subunit; minus strand). Cytogenetic location: 12q24.33.
Variant type: single nucleotide variant.
Coding change: c.4012G>A on transcript NM_006231.4 (MANE Select); coding-DNA position 4012, G replaced by A.
Protein change: p.Glu1338Lys; replaces glutamic acid 1338 with lysine.
Molecular consequence: missense variant.
Genome position (GRCh38, 1-based): chr12:132,649,066, C>T on the plus strand (G>A on the coding strand, the complement: POLE is on the minus strand). VCF-style: chr12-132649066-C-T. GRCh37 (hg19) VCF-style: chr12-133225652-C-T.
Other names: short protein forms E1338K.
Identifiers: ClinVar variation 405810 (VCV000405810.20), dbSNP rs751555395, ClinGen allele CA6893016.